The following is an entry in ClinVar:

NM_001365999.1(SZT2):c.5615G>A (p.Gly1872Asp)

Gene: SZT2 (SZT2 subunit of KICSTOR complex; plus strand). Cytogenetic location: 1p34.2.
Variant type: single nucleotide variant.
Coding change: c.5615G>A on transcript NM_001365999.1 (MANE Select); coding-DNA position 5615, G replaced by A.
Protein change: p.Gly1872Asp; replaces glycine 1872 with aspartic acid.
Molecular consequence: missense variant.
Genome position (GRCh38, 1-based): chr1:43,433,001, G>A. VCF-style: chr1-43433001-G-A. GRCh37 (hg19) VCF-style: chr1-43898672-G-A.
Other names: c.5444G>A, p.Gly1815Asp (NM_015284.4); c.5444G>A (NM_015284.3); short protein forms G1815D, G1872D.
Identifiers: ClinVar variation 1064179 (VCV001064179.10), dbSNP rs374437387, ClinGen allele CA809649.

ClinVar aggregate classification (germline): Uncertain significance. Review status: criteria provided, multiple submitters, no conflicts (2 of 4 stars). 2 submissions from 2 submitters: Uncertain significance (2). Last evaluated 2024-06-17.

Conditions:
Inborn genetic diseases. Identifiers: MedGen C0950123, MeSH D030342.

Allele frequency attached by ClinVar (database versions not stated): TOPMed below 0.00001; gnomAD exomes 0.00001; ExAC 0.00002; ESP Exome Variant Server 0.00008.
gnomAD v4.1: 3 of 1,614,010 alleles (0.00019%); highest among the groups gnomAD compares: South Asian, 0.0011%; no homozygotes.

Submissions (2):

Ambry Genetics
Classification: Uncertain significance for Inborn genetic diseases. Last evaluated: 2024-06-17. Review status: criteria provided, single submitter. Criteria: Ambry Variant Classification Scheme 2023. Collection method: clinical testing. Allele origin: germline.

Labcorp Genetics (formerly Invitae), Labcorp
Classification: Uncertain significance. Last evaluated: 2022-05-07. Review status: criteria provided, single submitter. Criteria: Invitae Variant Classification Sherloc (09022015). Collection method: clinical testing. Allele origin: germline.
Comment: This sequence change replaces glycine, which is neutral and non-polar, with aspartic acid, which is acidic and polar, at codon 1815 of the SZT2 protein (p.Gly1815Asp). This variant is present in population databases (rs374437387, gnomAD 0.003%). This variant has not been reported in the literature in individuals affected with SZT2-related conditions. ClinVar contains an entry for this variant (Variation ID: 1064179). Algorithms developed to predict the effect of missense changes on protein structure and function output the following: SIFT: "Deleterious"; PolyPhen-2: "Probably Damaging"; Align-GVGD: "Class C0". The aspartic acid amino acid residue is found in multiple mammalian species, which suggests that this missense change does not adversely affect protein function. In summary, the available evidence is currently insufficient to determine the role of this variant in disease. Therefore, it has been classified as a Variant of Uncertain Significance.